The following is an entry in ClinVar:

NM_021072.4(HCN1):c.1783+4C>T

Gene: HCN1 (hyperpolarization activated cyclic nucleotide gated potassium channel 1; minus strand). Cytogenetic location: 5p12.
Variant type: single nucleotide variant.
Coding change: c.1783+4C>T on transcript NM_021072.4 (MANE Select); 4 bases into the intron after coding-DNA position 1783, C replaced by T.
Molecular consequence: intron variant.
Genome position (GRCh38, 1-based): chr5:45,267,085, G>A on the plus strand (C>T on the coding strand, the complement: HCN1 is on the minus strand). VCF-style: chr5-45267085-G-A. GRCh37 (hg19) VCF-style: chr5-45267187-G-A.
Identifiers: ClinVar variation 461365 (VCV000461365.47), dbSNP rs188586020, ClinGen allele CA3259234.

ClinVar aggregate classification (germline): Benign/Likely benign. Review status: criteria provided, multiple submitters, no conflicts (2 of 4 stars). 8 submissions from 8 submitters: Benign (4); Likely benign (3). 1 of the submissions does not count toward it. Last evaluated 2026-06-01.

Conditions:
Early-infantile DEE. Also called: Early infantile epileptic encephalopathy; Ohtahara syndrome; Early infantile epileptic encephalopathy with suppression bursts. Identifiers: Orphanet 1934, MedGen C0393706, MONDO:0800491.
HCN1-related disorder. Also called: HCN1-related condition; HCN1-related disorders.
Inborn genetic diseases. Identifiers: MedGen C0950123, MeSH D030342.

Allele frequency attached by ClinVar (database versions not stated): ExAC 0.00052; 1000 Genomes Project 30x 0.00156; gnomAD 0.00179 and 0.00196; 1000 Genomes Project 0.00180; TOPMed 0.00224.
gnomAD v4.1: 576 of 1,606,660 alleles (0.036%); highest among the groups gnomAD compares: African/African-American, 0.69%; 2 homozygotes.

Submissions (8):

CeGaT Center for Human Genetics Tuebingen
Classification: Likely benign. Last evaluated: 2026-06-01. Review status: criteria provided, single submitter. Criteria: CeGaT Center For Human Genetics Tuebingen Variant Classification Criteria Version 2. Collection method: clinical testing. Allele origin: germline. Affected: yes. Observed: 2 variant alleles.
Comment: HCN1: BP4, BS1

Labcorp Genetics (formerly Invitae), Labcorp
Classification: Benign for Early-infantile DEE. Last evaluated: 2025-12-31. Review status: criteria provided, single submitter. Criteria: Invitae Variant Classification Sherloc (09022015). Collection method: clinical testing. Allele origin: germline.

ARUP Laboratories, Molecular Genetics and Genomics, ARUP Laboratories
Classification: Benign. Last evaluated: 2024-10-11. Review status: criteria provided, single submitter. Criteria: ARUP Molecular Germline Variant Investigation Process 2024. Collection method: clinical testing. Allele origin: germline.

Blueprint Genetics
Classification: Likely benign. Last evaluated: 2024-09-09. Review status: criteria provided, single submitter. Criteria: ACMG Guidelines, 2015. Collection method: clinical testing. Allele origin: germline.

GeneDx
Classification: Benign. Last evaluated: 2021-06-17. Review status: criteria provided, single submitter. Criteria: GeneDx Variant Classification Process June 2021. Collection method: clinical testing. Allele origin: germline. Affected: yes.

Athena Diagnostics
Classification: Benign. Last evaluated: 2019-05-31. Review status: criteria provided, single submitter. Criteria: Athena Diagnostics Criteria. Collection method: clinical testing. Allele origin: germline.

Ambry Genetics
Classification: Likely benign for Inborn genetic diseases. Last evaluated: 2019-02-23. Review status: criteria provided, single submitter. Criteria: Ambry Variant Classification Scheme 2023. Collection method: clinical testing. Allele origin: germline.

PreventionGenetics, part of Exact Sciences
Classification: Benign for HCN1-related condition. Last evaluated: 2019-08-28. Review status: no assertion criteria provided. Collection method: clinical testing. Allele origin: germline. Not counted in ClinVar's aggregate classification.
Comment: This variant is classified as benign based on ACMG/AMP sequence variant interpretation guidelines (Richards et al. 2015 PMID: 25741868, with internal and published modifications).